The following is an entry in ClinVar:

NC_000023.10:g.(?_49834581)_(49840657_?)del

Gene: CLCN5 (chloride voltage-gated channel 5; plus strand). Cytogenetic location: Xp11.22.
Variant type: Deletion.
Identifiers: ClinVar variation 1451923 (VCV001451923.6).

ClinVar aggregate classification (germline): Pathogenic (1 of 4 stars; one submission).

Submission:

Labcorp Genetics (formerly Invitae), Labcorp
Classification: Pathogenic. Last evaluated: 2021-05-03. Review status: criteria provided, single submitter. Criteria: Invitae Variant Classification Sherloc (09022015). Collection method: clinical testing. Allele origin: germline.
Comment: For these reasons, this variant has been classified as Pathogenic. This variant has been observed in individual(s) with Dent disease complex (PMID: 25907713). This variant is a gross deletion of the genomic region encompassing exon(s) 2-4 of the CLCN5 gene, which includes the initiator codon. The 5' end of this event is unknown as it extends beyond the assayed region for this gene and therefore may encompass additional genes. The 3' boundary is likely confined to intron 4 of the CLCN5 gene. It is expected to result in an absent or disrupted protein product. Loss-of-function variants in CLCN5 are known to be pathogenic (PMID: 22876375, 25907713).

Literature cited by the submitters: PubMed 25907713; PubMed 22876375.